The following is an entry in ClinVar:

NM_006446.5(SLCO1B1):c.664A>G (p.Ile222Val)

Gene: SLCO1B1 (solute carrier organic anion transporter family member 1B1; plus strand). Cytogenetic location: 12p12.1.
Variant type: single nucleotide variant.
Coding change: c.664A>G on transcript NM_006446.5 (MANE Select); coding-DNA position 664, A replaced by G.
Protein change: p.Ile222Val; replaces isoleucine 222 with valine.
Molecular consequence: missense variant.
Genome position (GRCh38, 1-based): chr12:21,178,957, A>G. VCF-style: chr12-21178957-A-G. GRCh37 (hg19) VCF-style: chr12-21331891-A-G.
Other names: short protein forms I222V.
Identifiers: ClinVar variation 811089 (VCV000811089.17), dbSNP rs79135870, ClinGen allele CA6476778.
Genomic context (GRCh38, chr12:21,178,957, plus strand): 5'-TAAAATTGCTTTATAATATTTTCAGGTATATTGAATGCAATAGCAATGATTGGTCCAATC[A>G]TTGGCTTTACCCTGGGATCTCTGTTTTCTAAAATGTACGTGGATATTGGATATGTAGATC-3'
Protein context (NP_006437.3, residues 212-232): LNAIAMIGPI[Ile222Val]GFTLGSLFSK

ClinVar aggregate classification (germline): Conflicting classifications of pathogenicity. Review status: criteria provided, conflicting classifications (1 of 4 stars). 2 submissions from 2 submitters: Uncertain significance (1); Benign (1). Last evaluated 2024-03-19.

Conditions:
Rotor syndrome (HBLRR). Also called: HYPERBILIRUBINEMIA, ROTOR TYPE, DIGENIC; HYPERBILIRUBINEMIA, ROTOR TYPE. Identifiers: Orphanet 3111, MedGen C0220991, MONDO:0009379, OMIM 237450.

Allele frequency attached by ClinVar (database versions not stated): gnomAD exomes 0.00032 and 0.00077; ExAC 0.00099; gnomAD 0.00325 and 0.00350; ESP Exome Variant Server 0.00331; 1000 Genomes Project 30x 0.00375; TOPMed 0.00376; 1000 Genomes Project 0.00399.
gnomAD v4.1: 974 of 1,612,420 alleles (0.06%); highest among the groups gnomAD compares: African/African-American, 1.2%; 7 homozygotes.

Submissions (2):

ARUP Laboratories, Molecular Genetics and Genomics, ARUP Laboratories
Classification: Uncertain significance for Rotor syndrome. Last evaluated: 2024-03-19. Review status: criteria provided, single submitter. Criteria: ARUP Molecular Germline Variant Investigation Process 2024. Collection method: clinical testing. Allele origin: germline.

Illumina Laboratory Services, Illumina
Classification: Benign for Rotor syndrome. Last evaluated: 2017-04-27. Review status: criteria provided, single submitter. Criteria: ICSL Variant Classification Criteria 13 December 2019. Collection method: clinical testing. Allele origin: germline.
Comment: This variant was observed as part of a predisposition screen in an ostensibly healthy population. A literature search was performed for the gene, cDNA change, and amino acid change (where applicable). Publications were found based on this search. The evidence from the literature, in combination with allele frequency data from public databases where available, was sufficient to rule this variant out of causing disease. Therefore, this variant is classified as benign.

Literature cited by the submitters: PubMed 23047721 (cited by Illumina Laboratory Services, Illumina); PubMed 24918167 (cited by Illumina Laboratory Services, Illumina).